The following is an entry in ClinVar:

NM_000368.5(TSC1):c.2615A>G (p.Asp872Gly)

Gene: TSC1 (TSC complex subunit 1; minus strand). Cytogenetic location: 9q34.13.
Variant type: single nucleotide variant.
Coding change: c.2615A>G on transcript NM_000368.5 (MANE Select); coding-DNA position 2615, A replaced by G.
Protein change: p.Asp872Gly; replaces aspartic acid 872 with glycine.
Molecular consequence: missense variant. On other transcripts: non-coding transcript variant (5).
Genome position (GRCh38, 1-based): chr9:132,900,725, T>C on the plus strand (A>G on the coding strand, the complement: TSC1 is on the minus strand). VCF-style: chr9-132900725-T-C. GRCh37 (hg19) VCF-style: chr9-135776112-T-C.
Other names: c.2612A>G, p.Asp871Gly (NM_001162426.2, NM_001406597.1, NM_001406598.1 and 2 more transcripts); c.2462A>G, p.Asp821Gly (NM_001162427.2, NM_001406610.1); c.2252A>G, p.Asp751Gly (NM_001362177.2, NM_001406614.1, NM_001406615.1 and 4 more transcripts); c.2615A>G, p.Asp872Gly (NM_001406592.1, NM_001406593.1, NM_001406594.1 and 2 more transcripts); c.2249A>G, p.Asp750Gly (NM_001406623.1, NM_001406620.1, NM_001406621.1 and 1 more transcripts); c.2210A>G, p.Asp737Gly (NM_001406624.1); c.2207A>G, p.Asp736Gly (NM_001406625.1); c.1664A>G, p.Asp555Gly (NM_001406626.1); and 8 more; short protein forms D521G, D554G, D555G, D736G, D737G, D750G, D751G, D806G.
Identifiers: ClinVar variation 4866005 (VCV004866005.1).

ClinVar aggregate classification (germline): Uncertain significance (1 of 4 stars; one submission).

Conditions:
Hereditary cancer-predisposing syndrome. Also called: Neoplastic Syndromes, Hereditary; Tumor predisposition; Hereditary Cancer Syndrome; Hereditary neoplastic syndrome. Identifiers: Orphanet 140162, MedGen C0027672, MeSH D009386, MONDO:0015356.

Submission:

Ambry Genetics
Classification: Uncertain significance for Hereditary cancer-predisposing syndrome. Last evaluated: 2026-05-14. Review status: criteria provided, single submitter. Criteria: Ambry Variant Classification Scheme 2023. Collection method: clinical testing. Allele origin: germline.
Comment: The p.D872G variant (also known as c.2615A>G), located in coding exon 18 of the TSC1 gene, results from an A to G substitution at nucleotide position 2615. The aspartic acid at codon 872 is replaced by glycine, an amino acid with similar properties. This amino acid position is well conserved in available vertebrate species. In addition, the in silico prediction for this alteration is inconclusive. Based on the available evidence, the clinical significance of this variant remains unclear.